The following is an entry in ClinVar:

ClinVar aggregate classification (germline): Uncertain significance. Review status: criteria provided, multiple submitters, no conflicts (2 of 4 stars). 2 submissions from 2 submitters: Uncertain significance (2). Last evaluated 2023-06-05.

Conditions:
Hereditary cancer-predisposing syndrome. Also called: Tumor predisposition; Neoplastic Syndromes, Hereditary; Hereditary Cancer Syndrome; Hereditary neoplastic syndrome. Identifiers: Orphanet 140162, MedGen C0027672, MeSH D009386, MONDO:0015356.
POLD1-related polyposis and colorectal cancer syndrome (CRCS10). Also called: Colorectal cancer 10; COLORECTAL CANCER, SUSCEPTIBILITY TO, ON CHROMOSOME 19q; Colorectal cancer, susceptibility to, 10. Identifiers: Orphanet 220460, MedGen C2675481, MONDO:0012953, OMIM 612591.

Submissions (2):

Ambry Genetics
Classification: Uncertain significance for Hereditary cancer-predisposing syndrome. Last evaluated: 2023-06-05. Review status: criteria provided, single submitter. Criteria: Ambry Variant Classification Scheme 2023. Collection method: clinical testing. Allele origin: germline.

Labcorp Genetics (formerly Invitae), Labcorp
Classification: Uncertain significance for POLD1-related polyposis and colorectal cancer syndrome. Last evaluated: 2022-04-08. Review status: criteria provided, single submitter. Criteria: Invitae Variant Classification Sherloc (09022015). Collection method: clinical testing. Allele origin: germline.
Comment: This sequence change replaces glutamine, which is neutral and polar, with arginine, which is basic and polar, at codon 955 of the POLD1 protein (p.Gln955Arg). In summary, the available evidence is currently insufficient to determine the role of this variant in disease. Therefore, it has been classified as a Variant of Uncertain Significance. Algorithms developed to predict the effect of missense changes on protein structure and function (SIFT, PolyPhen-2, Align-GVGD) all suggest that this variant is likely to be tolerated. ClinVar contains an entry for this variant (Variation ID: 537060). This variant has not been reported in the literature in individuals affected with POLD1-related conditions. This variant is not present in population databases (gnomAD no frequency).

NM_002691.4(POLD1):c.2864A>G (p.Gln955Arg)

Gene: POLD1 (DNA polymerase delta 1, catalytic subunit; plus strand). Cytogenetic location: 19q13.33.
Variant type: single nucleotide variant.
Coding change: c.2864A>G on transcript NM_002691.4 (MANE Select); coding-DNA position 2864, A replaced by G.
Protein change: p.Gln955Arg; replaces glutamine 955 with arginine.
Molecular consequence: missense variant. On other transcripts: non-coding transcript variant (1).
Genome position (GRCh38, 1-based): chr19:50,416,439, A>G. VCF-style: chr19-50416439-A-G. GRCh37 (hg19) VCF-style: chr19-50919696-A-G.
Other names: c.2864A>G, p.Gln955Arg (NM_001256849.1); c.2942A>G, p.Gln981Arg (NM_001308632.1); c.2864A>G (NM_002691.2); short protein forms Q955R, Q981R.
Identifiers: ClinVar variation 537060 (VCV000537060.8), dbSNP rs1555793307, ClinGen allele CA406986362.
Genomic context (GRCh38, chr19:50,416,439, plus strand): 5'-CTGCCATGTGGCCGCAGGACCCGCTGTTCGTGCTGGAGCACAGCCTGCCCATTGACACGC[A>G]GTACTACCTGGAGCAGCAGCTGGCCAAGCCCCTCCTGCGCATCTTCGAGCCCATCCTGGG-3'
Protein context (NP_002682.2, residues 945-965): VLEHSLPIDT[Gln955Arg]YYLEQQLAKP